The following is an entry in ClinVar:

ClinVar aggregate classification (germline): Uncertain significance (1 of 4 stars; one submission).

gnomAD v4.1: 1 of 1,613,920 alleles (0.000062%); highest among the groups gnomAD compares: South Asian, 0.0011%; no homozygotes.

Submission:

Labcorp Genetics (formerly Invitae), Labcorp
Classification: Uncertain significance. Last evaluated: 2024-02-02. Review status: criteria provided, single submitter. Criteria: Invitae Variant Classification Sherloc (09022015). Collection method: clinical testing. Allele origin: germline.
Comment: This sequence change replaces glutamic acid, which is acidic and polar, with glutamine, which is neutral and polar, at codon 787 of the ABCA3 protein (p.Glu787Gln). This variant is not present in population databases (gnomAD no frequency). This variant has not been reported in the literature in individuals affected with ABCA3-related conditions. Advanced modeling of protein sequence and biophysical properties (such as structural, functional, and spatial information, amino acid conservation, physicochemical variation, residue mobility, and thermodynamic stability) performed at Invitae indicates that this missense variant is not expected to disrupt ABCA3 protein function with a negative predictive value of 80%. In summary, the available evidence is currently insufficient to determine the role of this variant in disease. Therefore, it has been classified as a Variant of Uncertain Significance.

NM_001089.3(ABCA3):c.2359G>C (p.Glu787Gln)

Gene: ABCA3 (ATP binding cassette subfamily A member 3; minus strand). Cytogenetic location: 16p13.3.
Variant type: single nucleotide variant.
Coding change: c.2359G>C on transcript NM_001089.3 (MANE Select); coding-DNA position 2359, G replaced by C.
Protein change: p.Glu787Gln; replaces glutamic acid 787 with glutamine.
Molecular consequence: missense variant.
Genome position (GRCh38, 1-based): chr16:2,295,645, C>G on the plus strand (G>C on the coding strand, the complement: ABCA3 is on the minus strand). VCF-style: chr16-2295645-C-G. GRCh37 (hg19) VCF-style: chr16-2345646-C-G.
Other names: short protein forms E787Q.
Identifiers: ClinVar variation 3638478 (VCV003638478.2).